The following is an entry in ClinVar:

ClinVar aggregate classification (germline): Uncertain significance (1 of 4 stars; one submission).

Conditions:
Cohen syndrome (COH1). Also called: Cutis verticis gyrata, retinitis pigmentosa, and sensorineural deafness; PEPPER SYNDROME. Identifiers: Orphanet 193, MedGen C0265223, MONDO:0008999, OMIM 216550.

Submission:

Labcorp Genetics (formerly Invitae), Labcorp
Classification: Uncertain significance for Cohen syndrome. Last evaluated: 2022-06-12. Review status: criteria provided, single submitter. Criteria: Invitae Variant Classification Sherloc (09022015). Collection method: clinical testing. Allele origin: germline.
Comment: This sequence change replaces lysine, which is basic and polar, with glutamine, which is neutral and polar, at codon 770 of the VPS13B protein (p.Lys770Gln). This variant is not present in population databases (gnomAD no frequency). This variant has not been reported in the literature in individuals affected with VPS13B-related conditions. Algorithms developed to predict the effect of missense changes on protein structure and function are either unavailable or do not agree on the potential impact of this missense change (SIFT: "Not Available"; PolyPhen-2: "Probably Damaging"; Align-GVGD: "Not Available"). In summary, the available evidence is currently insufficient to determine the role of this variant in disease. Therefore, it has been classified as a Variant of Uncertain Significance.

NM_152564.5(VPS13B):c.2308A>C (p.Lys770Gln)

Gene: VPS13B (vacuolar protein sorting 13 homolog B; plus strand). Cytogenetic location: 8q22.2.
Variant type: single nucleotide variant.
Coding change: c.2308A>C on transcript NM_152564.5 (MANE Select); coding-DNA position 2308, A replaced by C.
Protein change: p.Lys770Gln; replaces lysine 770 with glutamine.
Molecular consequence: missense variant.
Genome position (GRCh38, 1-based): chr8:99,170,138, A>C. VCF-style: chr8-99170138-A-C. GRCh37 (hg19) VCF-style: chr8-100182366-A-C.
Other names: c.2308A>C, p.Lys770Gln (NM_015243.3, NM_017890.5); short protein forms K770Q.
Identifiers: ClinVar variation 1976222 (VCV001976222.2), dbSNP rs2488877781, ClinGen allele CA371865495.